The following is an entry in ClinVar:

ClinVar aggregate classification (germline): Uncertain significance (1 of 4 stars; one submission).

Submission:

GeneDx
Classification: Uncertain significance. Last evaluated: 2020-03-05. Review status: criteria provided, single submitter. Criteria: GeneDx Variant Classification Process June 2021. Collection method: clinical testing. Allele origin: germline. Affected: yes.
Comment: Not observed in large population cohorts (Lek et al., 2016); In silico analysis supports that this missense variant has a deleterious effect on protein structure/function; Has not been previously published as pathogenic or benign to our knowledge

NM_001110556.2(FLNA):c.2369C>T (p.Thr790Ile)

Gene: FLNA (filamin A; minus strand). Cytogenetic location: Xq28.
Variant type: single nucleotide variant.
Coding change: c.2369C>T on transcript NM_001110556.2 (MANE Select); coding-DNA position 2369, C replaced by T.
Protein change: p.Thr790Ile; replaces threonine 790 with isoleucine.
Molecular consequence: missense variant.
Genome position (GRCh38, 1-based): chrX:154,362,696, G>A on the plus strand (C>T on the coding strand, the complement: FLNA is on the minus strand). VCF-style: chrX-154362696-G-A. GRCh37 (hg19) VCF-style: chrX-153591064-G-A.
Other names: c.2369C>T, p.Thr790Ile (NM_001456.4); short protein forms T790I.
Identifiers: ClinVar variation 1303284 (VCV001303284.2), dbSNP rs2148114627, ClinGen allele CA415237300.